The following is an entry in ClinVar:

ClinVar aggregate classification (germline): Uncertain significance. Review status: criteria provided, multiple submitters, no conflicts (2 of 4 stars). 2 submissions from 2 submitters: Uncertain significance (2). Last evaluated 2025-05-03.

Allele frequency attached by ClinVar (database versions not stated): ESP Exome Variant Server 0.00023.
gnomAD v4.1: 7 of 1,613,924 alleles (0.00043%); highest among the groups gnomAD compares: African/African-American, 0.008%; no homozygotes.

Submissions (2):

Ambry Genetics
Classification: Uncertain significance. Last evaluated: 2025-05-03. Review status: criteria provided, single submitter. Criteria: Ambry Variant Classification Scheme 2023. Collection method: clinical testing. Allele origin: germline.

Labcorp Genetics (formerly Invitae), Labcorp
Classification: Uncertain significance. Last evaluated: 2023-12-15. Review status: criteria provided, single submitter. Criteria: Invitae Variant Classification Sherloc (09022015). Collection method: clinical testing. Allele origin: germline.
Comment: This sequence change replaces serine, which is neutral and polar, with arginine, which is basic and polar, at codon 140 of the KLF10 protein (p.Ser140Arg). This variant is present in population databases (rs147912564, gnomAD 0.02%). This variant has not been reported in the literature in individuals affected with KLF10-related conditions. ClinVar contains an entry for this variant (Variation ID: 1436707). An algorithm developed to predict the effect of missense changes on protein structure and function (PolyPhen-2) suggests that this variant is likely to be tolerated. In summary, the available evidence is currently insufficient to determine the role of this variant in disease. Therefore, it has been classified as a Variant of Uncertain Significance.

NM_005655.4(KLF10):c.420C>A (p.Ser140Arg)

Gene: KLF10 (KLF transcription factor 10; minus strand). Cytogenetic location: 8q22.3.
Variant type: single nucleotide variant.
Coding change: c.420C>A on transcript NM_005655.4 (MANE Select); coding-DNA position 420, C replaced by A.
Protein change: p.Ser140Arg; replaces serine 140 with arginine.
Molecular consequence: missense variant.
Genome position (GRCh38, 1-based): chr8:102,651,912, G>T on the plus strand (C>A on the coding strand, the complement: KLF10 is on the minus strand). VCF-style: chr8-102651912-G-T. GRCh37 (hg19) VCF-style: chr8-103664140-G-T.
Other names: c.420C>A (NM_005655.2); c.387C>A, p.Ser129Arg (NM_001032282.4); short protein forms S140R, S129R.
Identifiers: ClinVar variation 1436707 (VCV001436707.9), dbSNP rs147912564, ClinGen allele CA4833607.